The following is an entry in ClinVar:

NM_181426.2(CCDC39):c.431del (p.Glu144fs)

Gene: CCDC39 (coiled-coil domain 39 molecular ruler complex subunit; minus strand). Cytogenetic location: 3q26.33.
Variant type: Deletion.
Coding change: c.431del on transcript NM_181426.2 (MANE Select); coding-DNA position 431, one base deleted (A; older notation c.431delA).
Protein change: p.Glu144fs; shifts the reading frame from glutamic acid 144.
Molecular consequence: frameshift variant.
Genome position (GRCh38, 1-based): chr3:180,660,655, T deleted on the plus strand (A on the coding strand, the reverse complement: CCDC39 is on the minus strand). VCF-style (leftmost placement, unchanged base first): chr3-180660654-CT-C. GRCh37 (hg19) VCF-style: chr3-180378442-CT-C.
Other names: short protein forms E144fs.
Identifiers: ClinVar variation 4808362 (VCV004808362.1).

ClinVar aggregate classification (germline): Pathogenic (1 of 4 stars; one submission).

Conditions:
Primary ciliary dyskinesia. Also called: Ciliary dyskinesia. Identifiers: Orphanet 244, MedGen C0008780, MONDO:0016575, HP:0012265.

Submission:

Labcorp Genetics (formerly Invitae), Labcorp
Classification: Pathogenic for Primary ciliary dyskinesia. Last evaluated: 2025-09-05. Review status: criteria provided, single submitter. Criteria: Invitae Variant Classification Sherloc (09022015). Collection method: clinical testing. Allele origin: germline.
Comment: This sequence change creates a premature translational stop signal (p.Glu144Glyfs*4) in the CCDC39 gene. It is expected to result in an absent or disrupted protein product. Loss-of-function variants in CCDC39 are known to be pathogenic (PMID: 21131972, 23255504). This variant is not present in population databases (gnomAD no frequency). This variant has not been reported in the literature in individuals affected with CCDC39-related conditions. For these reasons, this variant has been classified as Pathogenic.

Literature cited by the submitters: PubMed 21131972; PubMed 23255504.